The following is an entry in ClinVar:

ClinVar aggregate classification (germline): Uncertain significance (1 of 4 stars; one submission).

Conditions:
Joubert syndrome 21 (JBTS21). Identifiers: MedGen C3810212, MONDO:0014288, OMIM 615636.

Allele frequency attached by ClinVar (database versions not stated): TOPMed 0.00001; gnomAD 0.00003; ExAC 0.00010; 1000 Genomes Project 30x 0.00031; 1000 Genomes Project 0.00040.
gnomAD v4.1: 41 of 1,614,004 alleles (0.0025%); highest among the groups gnomAD compares: South Asian, 0.043%; 1 homozygote.

Submission:

Labcorp Genetics (formerly Invitae), Labcorp
Classification: Uncertain significance for Joubert syndrome 21. Last evaluated: 2022-02-23. Review status: criteria provided, single submitter. Criteria: Invitae Variant Classification Sherloc (09022015). Collection method: clinical testing. Allele origin: germline.
Comment: This sequence change replaces proline, which is neutral and non-polar, with serine, which is neutral and polar, at codon 457 of the CSPP1 protein (p.Pro457Ser). This variant is present in population databases (rs546837200, gnomAD 0.05%). This variant has not been reported in the literature in individuals affected with CSPP1-related conditions. Algorithms developed to predict the effect of missense changes on protein structure and function are either unavailable or do not agree on the potential impact of this missense change (SIFT: "Tolerated"; PolyPhen-2: "Possibly Damaging"; Align-GVGD: "Class C0"). In summary, the available evidence is currently insufficient to determine the role of this variant in disease. Therefore, it has been classified as a Variant of Uncertain Significance.

NM_001382391.1(CSPP1):c.1384C>T (p.Pro462Ser)

Gene: CSPP1 (centrosome and spindle pole associated protein 1; plus strand). Cytogenetic location: 8q13.2.
Variant type: single nucleotide variant.
Coding change: c.1384C>T on transcript NM_001382391.1 (MANE Select); coding-DNA position 1384, C replaced by T.
Protein change: p.Pro462Ser; replaces proline 462 with serine.
Molecular consequence: missense variant.
Genome position (GRCh38, 1-based): chr8:67,116,010, C>T. VCF-style: chr8-67116010-C-T. GRCh37 (hg19) VCF-style: chr8-68028245-C-T.
Other names: c.487C>T, p.Pro163Ser (NM_001291339.2); c.1303C>T, p.Pro435Ser (NM_001363131.2); c.1342C>T, p.Pro448Ser (NM_001363132.2); c.1261C>T, p.Pro421Ser (NM_001363133.2); c.1450C>T, p.Pro484Ser (NM_001364869.1); c.1270C>T, p.Pro424Ser (NM_001364870.1); c.1369C>T, p.Pro457Ser (NM_024790.7); short protein forms P457S, P462S, P163S, P424S, P435S, P421S, P448S, P484S.
Identifiers: ClinVar variation 1953753 (VCV001953753.2), dbSNP rs546837200, ClinGen allele CA4770527.
Genomic context (GRCh38, chr8:67,116,010, plus strand): 5'-CACTTTGAAGAGATGATACCACCTGAAAGACCCAGAATAGCTTTCCAGACACCTCTCCCT[C>T]CTTTATCTGCCCCATCTGTCCCACCCATCCCATCAGTTCATCCTGTTCCTTCTCAAAATG-3'
Protein context (NP_001369320.1, residues 452-472): PRIAFQTPLP[Pro462Ser]LSAPSVPPIP